The following is an entry in ClinVar:

ClinVar aggregate classification (germline): Benign/Likely benign. Review status: criteria provided, multiple submitters, no conflicts (2 of 4 stars). 3 submissions from 3 submitters: Benign (1); Likely benign (2). Last evaluated 2024-09-13.

Conditions:
Ataxia-telangiectasia syndrome (AT). Also called: Ataxia telangiectasia (A-T); Cerebello-oculocutaneous telangiectasia; Immunodeficiency with ataxia telangiectasia; Ataxia-telangiectasia, complementation group D; AT, COMPLEMENTATION GROUP C; LOUIS-BAR SYNDROME. Identifiers: Orphanet 100, MedGen C0004135, MONDO:0008840, OMIM 208900.
Familial cancer of breast. Also called: Hereditary breast cancer; hereditary breast carcinoma; BREAST CANCER, FAMILIAL. Identifiers: Orphanet 227535, MedGen C0346153, MONDO:0016419, OMIM 114480. Disease mechanism: loss of function.
Hereditary cancer-predisposing syndrome. Also called: Hereditary Cancer Syndrome; Tumor predisposition; Neoplastic Syndromes, Hereditary; Hereditary neoplastic syndrome. Identifiers: Orphanet 140162, MedGen C0027672, MeSH D009386, MONDO:0015356.

Submissions (3):

Ambry Genetics
Classification: Likely benign for Hereditary cancer-predisposing syndrome. Last evaluated: 2024-09-13. Review status: criteria provided, single submitter. Criteria: Ambry Variant Classification Scheme 2023. Collection method: clinical testing. Allele origin: germline.

Myriad Genetics, Inc.
Classification: Benign for Familial cancer of breast. Last evaluated: 2024-04-22. Review status: criteria provided, single submitter. Criteria: Myriad Autosomal Dominant, Autosomal Recessive and X-Linked Classification Criteria (2023). Collection method: clinical testing. Allele origin: unknown.
Comment: This variant is considered benign. This variant is a silent/synonymous amino acid change and it is not expected to impact splicing.

Labcorp Genetics (formerly Invitae), Labcorp
Classification: Likely benign for Ataxia-telangiectasia syndrome. Last evaluated: 2023-11-21. Review status: criteria provided, single submitter. Criteria: Invitae Variant Classification Sherloc (09022015). Collection method: clinical testing. Allele origin: germline.

NM_000051.4(ATM):c.678T>C (p.Ser226=)

Gene: ATM (ATM serine/threonine kinase; plus strand). Cytogenetic location: 11q22.3.
Variant type: single nucleotide variant.
Coding change: c.678T>C on transcript NM_000051.4 (MANE Select); coding-DNA position 678, T replaced by C.
Protein change: p.Ser226=; no amino-acid change (serine 226 retained).
Molecular consequence: synonymous variant.
Genome position (GRCh38, 1-based): chr11:108,244,803, T>C. VCF-style: chr11-108244803-T-C. GRCh37 (hg19) VCF-style: chr11-108115530-T-C.
Other names: c.678T>C, p.Ser226= (NM_001351834.2); c.678T>C (NM_000051.3).
Identifiers: ClinVar variation 1628501 (VCV001628501.10), dbSNP rs2135237178, ClinGen allele CA476744600.